The following is an entry in ClinVar:

NM_006509.4(RELB):c.1622C>A (p.Ala541Asp)

Gene: RELB (RELB proto-oncogene, NF-kB subunit; plus strand). Cytogenetic location: 19q13.32.
Variant type: single nucleotide variant.
Coding change: c.1622C>A on transcript NM_006509.4 (MANE Select); coding-DNA position 1622, C replaced by A.
Protein change: p.Ala541Asp; replaces alanine 541 with aspartic acid.
Molecular consequence: missense variant.
Genome position (GRCh38, 1-based): chr19:45,037,672, C>A. VCF-style: chr19-45037672-C-A. GRCh37 (hg19) VCF-style: chr19-45540930-C-A.
Other names: c.1613C>A, p.Ala538Asp (NM_001411087.1); short protein forms A538D, A541D.
Identifiers: ClinVar variation 4577031 (VCV004577031.2).

ClinVar aggregate classification (germline): Uncertain significance. Review status: criteria provided, multiple submitters, no conflicts (2 of 4 stars). 2 submissions from 2 submitters: Uncertain significance (2). Last evaluated 2025-10-15.

gnomAD v4.1: 2 of 1,568,832 alleles (0.00013%); highest among the groups gnomAD compares: Non-Finnish European, 0.00017%; no homozygotes.

Submissions (2):

Ambry Genetics
Classification: Uncertain significance. Last evaluated: 2025-10-15. Review status: criteria provided, single submitter. Criteria: Ambry Variant Classification Scheme 2023. Collection method: clinical testing. Allele origin: germline.

Labcorp Genetics (formerly Invitae), Labcorp
Classification: Uncertain significance. Last evaluated: 2025-06-10. Review status: criteria provided, single submitter. Criteria: Invitae Variant Classification Sherloc (09022015). Collection method: clinical testing. Allele origin: germline.
Comment: This sequence change replaces alanine, which is neutral and non-polar, with aspartic acid, which is acidic and polar, at codon 541 of the RELB protein (p.Ala541Asp). This variant is not present in population databases (gnomAD no frequency). This variant has not been reported in the literature in individuals affected with RELB-related conditions. An algorithm developed to predict the effect of missense changes on protein structure and function (PolyPhen-2) suggests that this variant is likely to be tolerated. In summary, the available evidence is currently insufficient to determine the role of this variant in disease. Therefore, it has been classified as a Variant of Uncertain Significance.